The following is an entry in ClinVar:

ClinVar aggregate classification (germline): Likely pathogenic (1 of 4 stars; one submission).

Conditions:
RASopathy. Also called: rasopathies; Noonan spectrum disorder. Identifiers: Orphanet 536391, MedGen C5555857, MONDO:0021060.

Submission:

Labcorp Genetics (formerly Invitae), Labcorp
Classification: Likely pathogenic for RASopathy. Last evaluated: 2024-11-05. Review status: criteria provided, single submitter. Criteria: Invitae Variant Classification Sherloc (09022015). Collection method: clinical testing. Allele origin: germline.
Comment: This sequence change affects a donor splice site in intron 4 of the PTPN11 gene. It is expected to disrupt RNA splicing. Variants that disrupt the donor or acceptor splice site typically lead to a loss of protein function (PMID: 16199547), and loss-of-function variants in PTPN11 are known to be pathogenic (PMID: 20577567, 21533187). This variant is not present in population databases (gnomAD no frequency). This variant has not been reported in the literature in individuals affected with PTPN11-related conditions. ClinVar contains an entry for this variant (Variation ID: 2007864). Algorithms developed to predict the effect of sequence changes on RNA splicing suggest that this variant may disrupt the consensus splice site. In summary, the currently available evidence indicates that the variant is pathogenic, but additional data are needed to prove that conclusively. Therefore, this variant has been classified as Likely Pathogenic.

Literature cited by the submitters: PubMed 16199547; PubMed 20577567; PubMed 21533187.

NM_002834.5(PTPN11):c.525+1G>A

Gene: PTPN11 (protein tyrosine phosphatase non-receptor type 11; plus strand). Cytogenetic location: 12q24.13.
Variant type: single nucleotide variant.
Coding change: c.525+1G>A on transcript NM_002834.5 (MANE Select); the canonical splice donor site of the intron after coding-DNA position 525, G replaced by A.
Molecular consequence: splice donor variant.
Genome position (GRCh38, 1-based): chr12:112,453,388, G>A. VCF-style: chr12-112453388-G-A. GRCh37 (hg19) VCF-style: chr12-112891192-G-A.
Other names: c.525+1G>A (NM_001330437.2, NM_080601.3); c.522+1G>A (NM_001374625.1).
Identifiers: ClinVar variation 2007864 (VCV002007864.4), dbSNP rs2135867567, ClinGen allele CA386781945.